The following is an entry in ClinVar:

NM_001080508.3(TBX18):c.98A>G (p.Gln33Arg)

Gene: TBX18 (T-box transcription factor 18; minus strand). Cytogenetic location: 6q14.3.
Variant type: single nucleotide variant.
Coding change: c.98A>G on transcript NM_001080508.3 (MANE Select); coding-DNA position 98, A replaced by G.
Protein change: p.Gln33Arg; replaces glutamine 33 with arginine.
Molecular consequence: missense variant.
Genome position (GRCh38, 1-based): chr6:84,764,084, T>C on the plus strand (A>G on the coding strand, the complement: TBX18 is on the minus strand). VCF-style: chr6-84764084-T-C. GRCh37 (hg19) VCF-style: chr6-85473802-T-C.
Other names: c.98A>G (NM_001080508.1); short protein forms Q33R.
Identifiers: ClinVar variation 2976762 (VCV002976762.4), dbSNP rs779334419, ClinGen allele CA3911204.

ClinVar aggregate classification (germline): Uncertain significance. Review status: criteria provided, multiple submitters, no conflicts (2 of 4 stars). 2 submissions from 2 submitters: Uncertain significance (2). Last evaluated 2025-07-14.

Conditions:
Inborn genetic diseases. Identifiers: MedGen C0950123, MeSH D030342.

Allele frequency attached by ClinVar (database versions not stated): gnomAD 0.00002; ExAC 0.00005; gnomAD exomes 0.00002; TOPMed 0.00003.
gnomAD v4.1: 28 of 1,584,648 alleles (0.0018%); highest among the groups gnomAD compares: Middle Eastern, 0.1%; no homozygotes.

Submissions (2):

Labcorp Genetics (formerly Invitae), Labcorp
Classification: Uncertain significance. Last evaluated: 2025-07-14. Review status: criteria provided, single submitter. Criteria: Invitae Variant Classification Sherloc (09022015). Collection method: clinical testing. Allele origin: germline.
Comment: This sequence change replaces glutamine, which is neutral and polar, with arginine, which is basic and polar, at codon 33 of the TBX18 protein (p.Gln33Arg). This variant is present in population databases (rs779334419, gnomAD 0.01%). This variant has not been reported in the literature in individuals affected with TBX18-related conditions. ClinVar contains an entry for this variant (Variation ID: 2976762). An algorithm developed to predict the effect of missense changes on protein structure and function (PolyPhen-2) suggests that this variant is likely to be tolerated. In summary, the available evidence is currently insufficient to determine the role of this variant in disease. Therefore, it has been classified as a Variant of Uncertain Significance.

Ambry Genetics
Classification: Uncertain significance for Inborn genetic diseases. Last evaluated: 2025-06-18. Review status: criteria provided, single submitter. Criteria: Ambry Variant Classification Scheme 2023. Collection method: clinical testing. Allele origin: germline.